The following is an entry in ClinVar:

ClinVar aggregate classification (germline): Uncertain significance (1 of 4 stars; one submission).

gnomAD v4.1: 17 of 1,612,518 alleles (0.0011%); highest among the groups gnomAD compares: Admixed American, 0.005%; no homozygotes.

Submission:

GeneDx
Classification: Uncertain significance. Last evaluated: 2026-04-03. Review status: criteria provided, single submitter. Criteria: GeneDx Variant Classification Process June 2021. Collection method: clinical testing. Allele origin: germline.
Comment: In silico analysis supports that this missense variant has a deleterious effect on protein structure/function; Has not been previously reported as pathogenic or benign in association with SGSM3-related disorders to our knowledge; however, it has been reported as de novo with confirmed parentage in a patient with congenital hydrocephalus (PMID: 33077954); This variant is associated with the following publications: (PMID: 33077954)

NM_015705.6(SGSM3):c.1405C>T (p.Arg469Trp)

Gene: SGSM3 (small G protein signaling modulator 3; plus strand). Cytogenetic location: 22q13.1.
Variant type: single nucleotide variant.
Coding change: c.1405C>T on transcript NM_015705.6 (MANE Select); coding-DNA position 1405, C replaced by T.
Protein change: p.Arg469Trp; replaces arginine 469 with tryptophan.
Molecular consequence: missense variant. On other transcripts: non-coding transcript variant (4).
Genome position (GRCh38, 1-based): chr22:40,407,449, C>T. VCF-style: chr22-40407449-C-T. GRCh37 (hg19) VCF-style: chr22-40803453-C-T.
Other names: c.1216C>T, p.Arg406Trp (NM_001301849.2, NM_001350042.2, NM_001350044.2 and 1 more transcripts); c.1405C>T, p.Arg469Trp (NM_001350039.2, NM_001350040.2, NM_001350041.2); c.1204C>T, p.Arg402Trp (NM_001350043.2, NM_001350046.2, NM_001350047.2); c.907C>T, p.Arg303Trp (NM_001350048.2); short protein forms R303W, R402W, R406W, R469W.
Identifiers: ClinVar variation 5016754 (VCV005016754.1).